The following is an entry in ClinVar:

ClinVar aggregate classification (germline): Uncertain significance (1 of 4 stars; one submission).

Conditions:
Hereditary cancer-predisposing syndrome. Also called: Neoplastic Syndromes, Hereditary; Tumor predisposition; Hereditary Cancer Syndrome; Hereditary neoplastic syndrome. Identifiers: Orphanet 140162, MedGen C0027672, MeSH D009386, MONDO:0015356.

Submission:

Ambry Genetics
Classification: Uncertain significance for Hereditary cancer-predisposing syndrome. Last evaluated: 2022-07-13. Review status: criteria provided, single submitter. Criteria: Ambry Variant Classification Scheme 2023. Collection method: clinical testing. Allele origin: germline.
Comment: The p.H217P variant (also known as c.650A>C), located in coding exon 6 of the MRE11A gene, results from an A to C substitution at nucleotide position 650. The histidine at codon 217 is replaced by proline, an amino acid with similar properties. This amino acid position is conserved. In addition, this alteration is predicted to be deleterious by in silico analysis. Since supporting evidence is limited at this time, the clinical significance of this alteration remains unclear.

NM_005591.4(MRE11):c.650A>C (p.His217Pro)

Gene: MRE11 (MRE11 double strand break repair nuclease; minus strand). Cytogenetic location: 11q21.
Variant type: single nucleotide variant.
Coding change: c.650A>C on transcript NM_005591.4 (MANE Select); coding-DNA position 650, A replaced by C.
Protein change: p.His217Pro; replaces histidine 217 with proline.
Molecular consequence: missense variant.
Genome position (GRCh38, 1-based): chr11:94,476,298, T>G on the plus strand (A>C on the coding strand, the complement: MRE11 is on the minus strand). VCF-style: chr11-94476298-T-G. GRCh37 (hg19) VCF-style: chr11-94209464-T-G.
Other names: c.650A>C, p.His217Pro (NM_001330347.2, NM_005590.4); short protein forms H217P.
Identifiers: ClinVar variation 1800122 (VCV001800122.2), dbSNP rs2496534245, ClinGen allele CA382376530.